The following is an entry in ClinVar:

NM_001036.6(RYR3):c.14478G>A (p.Met4826Ile)

Genes: AVEN (apoptosis and caspase activation inhibitor; minus strand), RYR3 (ryanodine receptor 3; plus strand). Cytogenetic location: 15q14.
Variant type: single nucleotide variant.
Coding change: c.14478G>A on transcript NM_001036.6 (MANE Select); coding-DNA position 14478, G replaced by A.
Protein change: p.Met4826Ile; replaces methionine 4826 with isoleucine.
Molecular consequence: missense variant.
Genome position (GRCh38, 1-based): chr15:33,864,150, G>A. VCF-style: chr15-33864150-G-A. GRCh37 (hg19) VCF-style: chr15-34156351-G-A.
Other names: c.14463G>A, p.Met4821Ile (NM_001243996.4); short protein forms M4821I, M4826I.
Identifiers: ClinVar variation 2636183 (VCV002636183.1), dbSNP rs2508811179, ClinGen allele CA391595746.
Genomic context (GRCh38, chr15:33,864,150, plus strand): 5'-ACTTGGGTCTTGACCAGAGTATCTAATACTATCTTTTCCTCGTTCCAGGTTCTTTCTGAT[G>A]TATTTGATTAATAAAGATGAAACAGAGCACACGGGTCAGGTGAGAAATTAAGAATCATAT-3'
Protein context (NP_001027.3, residues 4816-4836): HNLANYLFFL[Met4826Ile]YLINKDETEH

ClinVar aggregate classification (germline): Uncertain significance (1 of 4 stars; one submission).

Conditions:
RYR3-related disorder. Also called: RYR3-related condition.

Allele frequency attached by ClinVar (database versions not stated): gnomAD exomes below 0.00001.
gnomAD v4.1: 1 of 1,611,832 alleles (0.000062%); highest among the groups gnomAD compares: African/African-American, 0.0013%; no homozygotes.

Submission:

PreventionGenetics, part of Exact Sciences
Classification: Uncertain significance for RYR3-related condition. Last evaluated: 2022-08-18. Review status: criteria provided, single submitter. Criteria: ACMG Guidelines, 2015. Collection method: clinical testing. Allele origin: germline.
Comment: The RYR3 c.14478G>A variant is predicted to result in the amino acid substitution p.Met4826Ile. To our knowledge, this variant has not been reported in the literature or in a large population database, indicating this variant is rare. At this time, the clinical significance of this variant is uncertain due to the absence of conclusive functional and genetic evidence.